The following is an entry in ClinVar:

ClinVar aggregate classification (germline): Conflicting classifications of pathogenicity. Review status: criteria provided, conflicting classifications (1 of 4 stars). 5 submissions from 5 submitters: Uncertain significance (2); Likely benign (3). Last evaluated 2025-09-20.

Conditions:
Dystonia 28, childhood-onset (DYT28). Also called: KMT2B-Related Dystonia (DYT-KMT2B). Identifiers: Orphanet 589618, MedGen C4310633, MONDO:0015004, OMIM 617284.

Allele frequency attached by ClinVar (database versions not stated): gnomAD 0.00017 and 0.00019; gnomAD exomes 0.00017 and 0.00021; TOPMed 0.00024; ExAC 0.00041.
gnomAD v4.1: 270 of 1,596,140 alleles (0.017%); highest among the groups gnomAD compares: Middle Eastern, 0.082%; 2 homozygotes.

Submissions (5):

Labcorp Genetics (formerly Invitae), Labcorp
Classification: Likely benign. Last evaluated: 2025-09-20. Review status: criteria provided, single submitter. Criteria: Invitae Variant Classification Sherloc (09022015). Collection method: clinical testing. Allele origin: germline.

Laboratory of Genetics, Children's Clinical University Hospital Latvia
Classification: Likely benign. Last evaluated: 2025-02-16. Review status: criteria provided, single submitter. Criteria: ACMG Guidelines, 2015. Collection method: clinical testing. Allele origin: germline. Affected: yes.

CeGaT Center for Human Genetics Tuebingen
Classification: Likely benign. Last evaluated: 2023-12-01. Review status: criteria provided, single submitter. Criteria: CeGaT Center For Human Genetics Tuebingen Variant Classification Criteria Version 2. Collection method: clinical testing. Allele origin: germline. Affected: yes. Observed: 4 variant alleles.
Comment: KMT2B: BP4

Baylor Genetics
Classification: Uncertain significance for Dystonia 28, childhood-onset. Last evaluated: 2018-04-27. Review status: criteria provided, single submitter. Criteria: ACMG Guidelines, 2015. Collection method: clinical testing. Allele origin: maternal. Affected: yes.
Comment: This variant was determined to be of uncertain significance according to ACMG Guidelines, 2015 [PMID:25741868].

Breakthrough Genomics
Classification: Uncertain significance. Review status: criteria provided, single submitter. Criteria: ACMG Guidelines, 2015. Collection method: not provided. Allele origin: germline. Inheritance: Autosomal dominant inheritance. Affected: yes.

NM_014727.3(KMT2B):c.1028G>A (p.Arg343Lys)

Gene: KMT2B (lysine methyltransferase 2B; plus strand). Cytogenetic location: 19q13.12.
Variant type: single nucleotide variant.
Coding change: c.1028G>A on transcript NM_014727.3 (MANE Select); coding-DNA position 1028, G replaced by A.
Protein change: p.Arg343Lys; replaces arginine 343 with lysine.
Molecular consequence: missense variant.
Genome position (GRCh38, 1-based): chr19:35,720,375, G>A. VCF-style: chr19-35720375-G-A. GRCh37 (hg19) VCF-style: chr19-36211277-G-A.
Other names: short protein forms R343K.
Identifiers: ClinVar variation 871234 (VCV000871234.48), dbSNP rs200396386, ClinGen allele CA9384163.